The following is an entry in ClinVar:

NM_006080.3(SEMA3A):c.367G>A (p.Ala123Thr)

Gene: SEMA3A (semaphorin 3A; minus strand). Cytogenetic location: 7q21.11.
Variant type: single nucleotide variant.
Coding change: c.367G>A on transcript NM_006080.3 (MANE Select); coding-DNA position 367, G replaced by A.
Protein change: p.Ala123Thr; replaces alanine 123 with threonine.
Molecular consequence: missense variant.
Genome position (GRCh38, 1-based): chr7:84,110,556, C>T on the plus strand (G>A on the coding strand, the complement: SEMA3A is on the minus strand). VCF-style: chr7-84110556-C-T. GRCh37 (hg19) VCF-style: chr7-83739872-C-T.
Other names: short protein forms A123T.
Identifiers: ClinVar variation 3317273 (VCV003317273.2).

ClinVar aggregate classification (germline): Uncertain significance. Review status: criteria provided, single submitter (1 of 4 stars). 2 submissions from 2 submitters: Uncertain significance (1). 1 of the submissions does not count toward it. Last evaluated 2024-05-02.

Conditions:
Inborn genetic diseases. Identifiers: MedGen C0950123, MeSH D030342.
SEMA3A-related disorder. Also called: SEMA3A-related condition.

Submissions (2):

Ambry Genetics
Classification: Uncertain significance for Inborn genetic diseases. Last evaluated: 2024-05-02. Review status: criteria provided, single submitter. Criteria: Ambry Variant Classification Scheme 2023. Collection method: clinical testing. Allele origin: germline.

PreventionGenetics, part of Exact Sciences
Classification: Likely benign for SEMA3A-related condition. Last evaluated: 2024-03-26. Review status: no assertion criteria provided. Collection method: clinical testing. Allele origin: germline. Not counted in ClinVar's aggregate classification.
Comment: This variant is classified as likely benign based on ACMG/AMP sequence variant interpretation guidelines (Richards et al. 2015 PMID: 25741868, with internal and published modifications).